The following is an entry in ClinVar:

ClinVar aggregate classification (germline): Likely benign (1 of 4 stars; one submission).

Allele frequency attached by ClinVar (database versions not stated): TOPMed 0.00027; ExAC 0.00031; gnomAD exomes 0.00039; ESP Exome Variant Server 0.00046; gnomAD 0.00032.
gnomAD v4.1: 618 of 1,613,730 alleles (0.038%); highest among the groups gnomAD compares: Non-Finnish European, 0.049%; 1 homozygote.

Submission:

CeGaT Center for Human Genetics Tuebingen
Classification: Likely benign. Last evaluated: 2023-03-01. Review status: criteria provided, single submitter. Criteria: CeGaT Center For Human Genetics Tuebingen Variant Classification Criteria Version 2. Collection method: clinical testing. Allele origin: germline. Affected: yes. Observed: 1 variant allele.
Comment: RFTN1: BP4, BP7

NM_015150.2(RFTN1):c.1233C>T (p.Pro411=)

Genes: OXNAD1 (oxidoreductase NAD binding domain containing 1; plus strand), RFTN1 (raftlin, lipid raft linker 1; minus strand). Cytogenetic location: 3p24.3.
Variant type: single nucleotide variant.
Coding change: c.1233C>T on transcript NM_015150.2 (MANE Select); coding-DNA position 1233, C replaced by T.
Protein change: p.Pro411=; no amino-acid change (proline 411 retained).
Molecular consequence: synonymous variant. On other transcripts: intron variant (5).
Genome position (GRCh38, 1-based): chr3:16,326,790, G>A on the plus strand (C>T on the coding strand, the complement: RFTN1 is on the minus strand). VCF-style: chr3-16326790-G-A. GRCh37 (hg19) VCF-style: chr3-16368297-G-A.
Other names: c.*31-22386G>A (NM_001352982.2); c.*31-19218G>A (NM_001440211.1); c.*31-10322G>A (NM_001330671.3, NM_001352983.2, NM_001352978.2).
Identifiers: ClinVar variation 2653607 (VCV002653607.22), dbSNP rs139132308, ClinGen allele CA2279726.